The following is an entry in ClinVar:

NM_152564.5(VPS13B):c.7777del (p.Gln2593fs)

Gene: VPS13B (vacuolar protein sorting 13 homolog B; plus strand). Cytogenetic location: 8q22.2.
Variant type: Deletion.
Coding change: c.7777del on transcript NM_152564.5 (MANE Select); coding-DNA position 7777, one base deleted (C; older notation c.7777delC).
Protein change: p.Gln2593fs; shifts the reading frame from glutamine 2593.
Molecular consequence: frameshift variant.
Genome position (GRCh38, 1-based): chr8:99,779,029, C deleted. VCF-style (leftmost placement, unchanged base first): chr8-99779028-AC-A. GRCh37 (hg19) VCF-style: chr8-100791256-AC-A.
Other names: c.7852del, p.Gln2618fs (NM_017890.5); short protein forms Q2593fs, Q2618fs.
Identifiers: ClinVar variation 1438841 (VCV001438841.6), dbSNP rs2130680017, ClinGen allele CA2573143601.

ClinVar aggregate classification (germline): Pathogenic (1 of 4 stars; one submission).

Conditions:
Cohen syndrome (COH1). Also called: PEPPER SYNDROME; Cutis verticis gyrata, retinitis pigmentosa, and sensorineural deafness. Identifiers: Orphanet 193, MedGen C0265223, MONDO:0008999, OMIM 216550.

Submission:

Labcorp Genetics (formerly Invitae), Labcorp
Classification: Pathogenic for Cohen syndrome. Last evaluated: 2021-11-10. Review status: criteria provided, single submitter. Criteria: Invitae Variant Classification Sherloc (09022015). Collection method: clinical testing. Allele origin: germline.
Comment: This sequence change creates a premature translational stop signal (p.Gln2618Argfs*7) in the VPS13B gene. It is expected to result in an absent or disrupted protein product. Loss-of-function variants in VPS13B are known to be pathogenic (PMID: 15141358, 16648375, 20461111). This variant has not been reported in the literature in individuals affected with VPS13B-related conditions. For these reasons, this variant has been classified as Pathogenic. This variant is not present in population databases (gnomAD no frequency).

Literature cited by the submitters: PubMed 15141358; PubMed 16648375; PubMed 20461111.